The following is an entry in ClinVar:

NM_000051.4(ATM):c.5766T>G (p.Pro1922=)

Genes: ATM (ATM serine/threonine kinase; plus strand), C11orf65 (chromosome 11 open reading frame 65; minus strand). Cytogenetic location: 11q22.3.
Variant type: single nucleotide variant.
Coding change: c.5766T>G on transcript NM_000051.4 (MANE Select); coding-DNA position 5766, T replaced by G.
Protein change: p.Pro1922=; no amino-acid change (proline 1922 retained).
Molecular consequence: synonymous variant. On other transcripts: intron variant (2).
Genome position (GRCh38, 1-based): chr11:108,310,163, T>G. VCF-style: chr11-108310163-T-G. GRCh37 (hg19) VCF-style: chr11-108180890-T-G.
Other names: c.5766T>G, p.Pro1922= (NM_001351834.2); c.641-1092A>C (NM_001330368.2); c.*39-1092A>C (NM_001351110.2).
Identifiers: ClinVar variation 1749510 (VCV001749510.3), dbSNP rs2084022090, ClinGen allele CA476675433.

ClinVar aggregate classification (germline): Benign/Likely benign. Review status: criteria provided, multiple submitters, no conflicts (2 of 4 stars). 2 submissions from 2 submitters: Benign (1); Likely benign (1). Last evaluated 2024-05-24.

Conditions:
Familial cancer of breast. Also called: Hereditary breast cancer; hereditary breast carcinoma; BREAST CANCER, FAMILIAL. Identifiers: Orphanet 227535, MedGen C0346153, MONDO:0016419, OMIM 114480. Disease mechanism: loss of function.
Hereditary cancer-predisposing syndrome. Also called: Hereditary neoplastic syndrome; Neoplastic Syndromes, Hereditary; Tumor predisposition; Hereditary Cancer Syndrome. Identifiers: Orphanet 140162, MedGen C0027672, MeSH D009386, MONDO:0015356.

Allele frequency attached by ClinVar (database versions not stated): TOPMed below 0.00001.

Submissions (2):

Myriad Genetics, Inc.
Classification: Benign for Familial cancer of breast. Last evaluated: 2024-05-24. Review status: criteria provided, single submitter. Criteria: Myriad Autosomal Dominant, Autosomal Recessive and X-Linked Classification Criteria (2023). Collection method: clinical testing. Allele origin: unknown.
Comment: This variant is considered benign. This variant is a silent/synonymous amino acid change and it is not expected to impact splicing.

Ambry Genetics
Classification: Likely benign for Hereditary cancer-predisposing syndrome. Last evaluated: 2015-12-22. Review status: criteria provided, single submitter. Criteria: Ambry Variant Classification Scheme 2023. Collection method: clinical testing. Allele origin: germline.